The following is an entry in ClinVar:

NM_001122630.2(CDKN1C):c.194G>T (p.Arg65Leu)

Gene: CDKN1C (cyclin dependent kinase inhibitor 1C; minus strand). Cytogenetic location: 11p15.4.
Variant type: single nucleotide variant.
Coding change: c.194G>T on transcript NM_001122630.2 (MANE Select); coding-DNA position 194, G replaced by T.
Protein change: p.Arg65Leu; replaces arginine 65 with leucine.
Molecular consequence: missense variant.
Genome position (GRCh38, 1-based): chr11:2,885,263, C>A on the plus strand (G>T on the coding strand, the complement: CDKN1C is on the minus strand). VCF-style: chr11-2885263-C-A. GRCh37 (hg19) VCF-style: chr11-2906493-C-A.
Other names: c.227G>T, p.Arg76Leu (NM_000076.2, LRG_533t1, NM_001362474.2); c.194G>T, p.Arg65Leu (NM_001122631.2, NM_001362475.2); short protein forms R76L, R65L.
Identifiers: ClinVar variation 568229 (VCV000568229.8), dbSNP rs1312652368, ClinGen allele CA379147326.

ClinVar aggregate classification (germline): Uncertain significance (1 of 4 stars; one submission).

Conditions:
Beckwith-Wiedemann syndrome (BWS). Also called: Exomphalos macroglossia gigantism syndrome; EMG SYNDROME. Identifiers: Orphanet 116, MedGen C0004903, MONDO:0007534, OMIM 130650.

Submission:

Labcorp Genetics (formerly Invitae), Labcorp
Classification: Uncertain significance for Beckwith-Wiedemann syndrome. Last evaluated: 2018-05-06. Review status: criteria provided, single submitter. Criteria: Invitae Variant Classification Sherloc (09022015). Collection method: clinical testing. Allele origin: germline.
Comment: In summary, the available evidence is currently insufficient to determine the role of this variant in disease. Therefore, it has been classified as a Variant of Uncertain Significance. Algorithms developed to predict the effect of missense changes on protein structure and function do not agree on the potential impact of this missense change (SIFT: "Tolerated"; PolyPhen-2: "Probably Damaging"; Align-GVGD: "Class C0"). This variant has not been reported in the literature in individuals with CDKN1C-related disease. This variant is not present in population databases (ExAC no frequency). This sequence change replaces arginine with leucine at codon 76 of the CDKN1C protein (p.Arg76Leu). The arginine residue is moderately conserved and there is a moderate physicochemical difference between arginine and leucine.